The following is an entry in ClinVar:

ClinVar aggregate classification (germline): Uncertain significance (1 of 4 stars; one submission).

Conditions:
Hereditary cancer-predisposing syndrome. Also called: Neoplastic Syndromes, Hereditary; Tumor predisposition; Hereditary Cancer Syndrome; Hereditary neoplastic syndrome. Identifiers: Orphanet 140162, MedGen C0027672, MeSH D009386, MONDO:0015356.

Submission:

Ambry Genetics
Classification: Uncertain significance for Hereditary cancer-predisposing syndrome. Last evaluated: 2024-01-07. Review status: criteria provided, single submitter. Criteria: Ambry Variant Classification Scheme 2023. Collection method: clinical testing. Allele origin: germline.
Comment: The p.K761E variant (also known as c.2281A>G), located in coding exon 9 of the BLM gene, results from an A to G substitution at nucleotide position 2281. The lysine at codon 761 is replaced by glutamic acid, an amino acid with similar properties. This amino acid position is highly conserved in available vertebrate species. In addition, this alteration is predicted to be deleterious by in silico analysis. Since supporting evidence is limited at this time, the clinical significance of this alteration remains unclear.

NM_000057.4(BLM):c.2281A>G (p.Lys761Glu)

Gene: BLM (BLM RecQ like helicase; plus strand). Cytogenetic location: 15q26.1.
Variant type: single nucleotide variant.
Coding change: c.2281A>G on transcript NM_000057.4 (MANE Select); coding-DNA position 2281, A replaced by G.
Protein change: p.Lys761Glu; replaces lysine 761 with glutamic acid.
Molecular consequence: missense variant.
Genome position (GRCh38, 1-based): chr15:90,766,997, A>G. VCF-style: chr15-90766997-A-G. GRCh37 (hg19) VCF-style: chr15-91310227-A-G.
Other names: c.2281A>G (LRG_20t1); c.2281A>G, p.Lys761Glu (NM_001287246.2, NM_001287247.2); c.1156A>G, p.Lys386Glu (NM_001287248.2); short protein forms K761E, K386E.
Identifiers: ClinVar variation 485361 (VCV000485361.5), dbSNP rs1555420599, ClinGen allele CA393844952.